The following is an entry in ClinVar:

NM_006206.6(PDGFRA):c.1140G>T (p.Lys380Asn)

Gene: PDGFRA (platelet derived growth factor receptor alpha; plus strand). Cytogenetic location: 4q12.
Variant type: single nucleotide variant.
Coding change: c.1140G>T on transcript NM_006206.6 (MANE Select); coding-DNA position 1140, G replaced by T.
Protein change: p.Lys380Asn; replaces lysine 380 with asparagine.
Molecular consequence: missense variant.
Genome position (GRCh38, 1-based): chr4:54,270,651, G>T. VCF-style: chr4-54270651-G-T. GRCh37 (hg19) VCF-style: chr4-55136818-G-T.
Other names: c.1140G>T, p.Lys380Asn (NM_001347827.2, NM_001347829.2); c.1215G>T, p.Lys405Asn (NM_001347828.2); c.1179G>T, p.Lys393Asn (NM_001347830.2); short protein forms K380N, K393N, K405N.
Identifiers: ClinVar variation 639043 (VCV000639043.9), dbSNP rs1577719475, ClinGen allele CA356891901.

ClinVar aggregate classification (germline): Uncertain significance (1 of 4 stars; one submission).

Conditions:
Gastrointestinal stromal tumor. Also called: Gastrointestinal stromal tumor, somatic; Gastrointestinal stroma tumor. Identifiers: Orphanet 44890, MedGen C0238198, MeSH D046152, MONDO:0011719, OMIM 606764, HP:0100723.

Submission:

Labcorp Genetics (formerly Invitae), Labcorp
Classification: Uncertain significance for Gastrointestinal stromal tumor. Last evaluated: 2018-12-30. Review status: criteria provided, single submitter. Criteria: Invitae Variant Classification Sherloc (09022015). Collection method: clinical testing. Allele origin: germline.
Comment: This sequence change replaces lysine with asparagine at codon 380 of the PDGFRA protein (p.Lys380Asn). The lysine residue is moderately conserved and there is a moderate physicochemical difference between lysine and asparagine. This variant is not present in population databases (ExAC no frequency). This variant has not been reported in the literature in individuals with PDGFRA-related conditions. Algorithms developed to predict the effect of missense changes on protein structure and function (SIFT, PolyPhen-2, Align-GVGD) all suggest that this variant is likely to be tolerated, but these predictions have not been confirmed by published functional studies and their clinical significance is uncertain. In summary, the available evidence is currently insufficient to determine the role of this variant in disease. Therefore, it has been classified as a Variant of Uncertain Significance.